The following is an entry in ClinVar:

ClinVar aggregate classification (germline): Benign/Likely benign. Review status: criteria provided, multiple submitters, no conflicts (2 of 4 stars). 3 submissions from 3 submitters: Benign (1); Likely benign (1). 1 of the submissions does not count toward it. Last evaluated 2026-02-01.

Conditions:
CTR9-related disorder. Also called: CTR9-related condition.

Allele frequency attached by ClinVar (database versions not stated): gnomAD 0.00001 and 0.00007; TOPMed 0.00003; ESP Exome Variant Server 0.00008; gnomAD exomes 0.00011 and 0.00019; ExAC 0.00022; 1000 Genomes Project 30x 0.00062; 1000 Genomes Project 0.00080.
gnomAD v4.1: 170 of 1,611,938 alleles (0.011%); highest among the groups gnomAD compares: South Asian, 0.15%; 2 homozygotes.

Submissions (3):

CeGaT Center for Human Genetics Tuebingen
Classification: Likely benign. Last evaluated: 2026-02-01. Review status: criteria provided, single submitter. Criteria: CeGaT Center For Human Genetics Tuebingen Variant Classification Criteria Version 2. Collection method: clinical testing. Allele origin: germline. Affected: yes. Observed: 2 variant alleles.
Comment: CTR9: BP4, BP7

Labcorp Genetics (formerly Invitae), Labcorp
Classification: Benign. Last evaluated: 2024-06-22. Review status: criteria provided, single submitter. Criteria: Invitae Variant Classification Sherloc (09022015). Collection method: clinical testing. Allele origin: germline.

PreventionGenetics, part of Exact Sciences
Classification: Likely benign for CTR9-related condition. Last evaluated: 2022-01-26. Review status: no assertion criteria provided. Collection method: clinical testing. Allele origin: germline. Not counted in ClinVar's aggregate classification.
Comment: This variant is classified as likely benign based on ACMG/AMP sequence variant interpretation guidelines (Richards et al. 2015 PMID: 25741868, with internal and published modifications).

NM_014633.5(CTR9):c.2085G>A (p.Lys695=)

Gene: CTR9 (CTR9 component of Paf1/RNA polymerase II complex; plus strand). Cytogenetic location: 11p15.4.
Variant type: single nucleotide variant.
Coding change: c.2085G>A on transcript NM_014633.5 (MANE Select); coding-DNA position 2085, G replaced by A.
Protein change: p.Lys695=; no amino-acid change (lysine 695 retained).
Molecular consequence: synonymous variant.
Genome position (GRCh38, 1-based): chr11:10,768,467, G>A. VCF-style: chr11-10768467-G-A. GRCh37 (hg19) VCF-style: chr11-10790014-G-A.
Other names: c.2085G>A, p.Lys695= (NM_001346279.2).
Identifiers: ClinVar variation 749267 (VCV000749267.21), dbSNP rs143726355, ClinGen allele CA5885228.